The following is an entry in ClinVar:

NM_000466.3(PEX1):c.385C>T (p.His129Tyr)

Gene: PEX1 (peroxisomal biogenesis factor 1; minus strand). Cytogenetic location: 7q21.2.
Variant type: single nucleotide variant.
Coding change: c.385C>T on transcript NM_000466.3 (MANE Select); coding-DNA position 385, C replaced by T.
Protein change: p.His129Tyr; replaces histidine 129 with tyrosine.
Molecular consequence: missense variant. On other transcripts: 5 prime UTR variant (1).
Genome position (GRCh38, 1-based): chr7:92,518,228, G>A on the plus strand (C>T on the coding strand, the complement: PEX1 is on the minus strand). VCF-style: chr7-92518228-G-A. GRCh37 (hg19) VCF-style: chr7-92147542-G-A.
Other names: c.385C>T, p.His129Tyr (NM_001282677.2); c.-240C>T (NM_001282678.2); short protein forms H129Y.
Identifiers: ClinVar variation 2158296 (VCV002158296.1), dbSNP rs1205686114, ClinGen allele CA368202510.

ClinVar aggregate classification (germline): Uncertain significance (1 of 4 stars; one submission).

Conditions:
Zellweger spectrum disorders (ZS). Also called: Zellweger Spectrum Disorder (ZSD); Zellweger Spectrum Disorder; Zellweger Spectrum; Zellweger syndrome. Identifiers: Orphanet 912, MedGen C0043459, MONDO:0019609.

Allele frequency attached by ClinVar (database versions not stated): gnomAD exomes below 0.00001; TOPMed 0.00001.
gnomAD v4.1: 3 of 1,612,516 alleles (0.00019%); highest among the groups gnomAD compares: Admixed American, 0.005%; no homozygotes.

Submission:

Labcorp Genetics (formerly Invitae), Labcorp
Classification: Uncertain significance for Zellweger spectrum disorders. Last evaluated: 2022-05-17. Review status: criteria provided, single submitter. Criteria: Invitae Variant Classification Sherloc (09022015). Collection method: clinical testing. Allele origin: germline.
Comment: This sequence change replaces histidine, which is basic and polar, with tyrosine, which is neutral and polar, at codon 129 of the PEX1 protein (p.His129Tyr). This variant is present in population databases (no rsID available, gnomAD 0.009%). This variant has not been reported in the literature in individuals affected with PEX1-related conditions. Algorithms developed to predict the effect of missense changes on protein structure and function are either unavailable or do not agree on the potential impact of this missense change (SIFT: "Tolerated"; PolyPhen-2: "Possibly Damaging"; Align-GVGD: "Class C0"). In summary, the available evidence is currently insufficient to determine the role of this variant in disease. Therefore, it has been classified as a Variant of Uncertain Significance.